The following is an entry in ClinVar:

NM_018006.5(TRMU):c.692_705dup (p.Tyr236fs)

Gene: TRMU (tRNA mitochondrial 2-thiouridylase; plus strand). Cytogenetic location: 22q13.31.
Variant type: Duplication.
Coding change: c.692_705dup on transcript NM_018006.5 (MANE Select); coding-DNA positions 692 to 705, 14 bases duplicated (ATTTCCTTCTTCAG).
Protein change: p.Tyr236fs; shifts the reading frame from tyrosine 236.
Molecular consequence: frameshift variant. On other transcripts: non-coding transcript variant (2).
Genome position (GRCh38, 1-based): chr22:46,352,161-46,352,174, ATTTCCTTCTTCAG duplicated. VCF-style (leftmost placement, unchanged base first): chr22-46352160-C-CATTTCCTTCTTCAG. GRCh37 (hg19) VCF-style: chr22-46748057-C-CATTTCCTTCTTCAG.
Other names: c.692_705dupATTTCCTTCTTCAG (NM_018006.4); c.*136_*149dup (NM_001008568.2); c.*230_*243dup (NM_001008570.2); c.350_363dup, p.Tyr122fs (NM_001282782.2); c.272_285dup, p.Tyr96fs (NM_001282783.2, NM_001282784.2); c.692_705dup, p.Tyr236fs (NM_001282785.2); short protein forms Y236fs, Y96fs, Y122fs.
Identifiers: ClinVar variation 2852647 (VCV002852647.5), dbSNP rs755646665, ClinGen allele CA10292166.

ClinVar aggregate classification (germline): Pathogenic/Likely pathogenic. Review status: criteria provided, multiple submitters, no conflicts (2 of 4 stars). 3 submissions from 3 submitters: Pathogenic (1); Likely pathogenic (2). Last evaluated 2025-06-23.

Conditions:
Aminoglycoside-induced deafness. Also called: MT-RNR1-Related Hearing Loss and Deafness; DEAFNESS, STREPTOMYCIN-INDUCED; STREPTOMYCIN OTOTOXICITY. Identifiers: Orphanet 168609, MedGen C1838854, MONDO:0010799, OMIM 580000.
Acute infantile liver failure due to synthesis defect of mtDNA-encoded proteins. Also called: LIVER FAILURE, INFANTILE, TRANSIENT; TRMU Deficiency; Liver failure acute infantile. Identifiers: Orphanet 217371, MedGen C3278664, MONDO:0013111, OMIM 613070.

Allele frequency attached by ClinVar (database versions not stated): gnomAD exomes below 0.00001; TOPMed below 0.00001; ExAC 0.00001; gnomAD 0.00001.

Submissions (3):

Natera, Inc.
Classification: Likely pathogenic for Acute infantile liver failure due to synthesis defect of mtDNA-encoded proteins. Last evaluated: 2025-06-23. Review status: criteria provided, single submitter. Criteria: Natera Variant Classification Schema (03/2026). Collection method: clinical testing. Allele origin: germline.
Comment: The c.692_705dupATTTCCTTCTTCAG variant in TRMU is a frameshift variant predicted to shift the reading frame beginning at codon 236 and leads to a stop codon 17 codons downstream. This variant is expected to result in nonsense mediated decay, truncation, or a dysfunctional protein product. This variant is rare in the general population with a frequency below the threshold expected for the associated phenotype(s). Given the available evidence, this variant is classified as Likely Pathogenic.

Baylor Genetics
Classification: Likely pathogenic for Aminoglycoside-induced deafness. Last evaluated: 2023-12-16. Review status: criteria provided, single submitter. Criteria: ACMG Guidelines, 2015. Collection method: clinical testing. Allele origin: unknown.

Labcorp Genetics (formerly Invitae), Labcorp
Classification: Pathogenic. Last evaluated: 2023-06-30. Review status: criteria provided, single submitter. Criteria: Invitae Variant Classification Sherloc (09022015). Collection method: clinical testing. Allele origin: germline.
Comment: This sequence change creates a premature translational stop signal (p.Tyr236Ilefs*17) in the TRMU gene. It is expected to result in an absent or disrupted protein product. Loss-of-function variants in TRMU are known to be pathogenic (PMID: 19732863, 23625533). This variant is present in population databases (rs755646665, gnomAD 0.007%). For these reasons, this variant has been classified as Pathogenic. This variant has not been reported in the literature in individuals affected with TRMU-related conditions.

Literature cited by the submitters: PubMed 19732863 (cited by Labcorp Genetics (formerly Invitae), Labcorp); PubMed 23625533 (cited by Labcorp Genetics (formerly Invitae), Labcorp).